The following is an entry in ClinVar:

ClinVar aggregate classification (germline): Uncertain significance (1 of 4 stars; one submission).

Allele frequency attached by ClinVar (database versions not stated): gnomAD exomes below 0.00001; TOPMed below 0.00001; gnomAD 0.00001.
gnomAD v4.1: 1 of 1,613,928 alleles (0.000062%); highest among the groups gnomAD compares: African/African-American, 0.0013%; no homozygotes.

Submission:

Labcorp Genetics (formerly Invitae), Labcorp
Classification: Uncertain significance. Last evaluated: 2022-07-25. Review status: criteria provided, single submitter. Criteria: Invitae Variant Classification Sherloc (09022015). Collection method: clinical testing. Allele origin: germline.
Comment: In summary, the available evidence is currently insufficient to determine the role of this variant in disease. Therefore, it has been classified as a Variant of Uncertain Significance. Algorithms developed to predict the effect of missense changes on protein structure and function are either unavailable or do not agree on the potential impact of this missense change (SIFT: "Deleterious"; PolyPhen-2: "Possibly Damaging"; Align-GVGD: "Class C0"). ClinVar contains an entry for this variant (Variation ID: 1477073). This variant has not been reported in the literature in individuals affected with BMPER-related conditions. This variant is present in population databases (no rsID available, gnomAD 0.007%). This sequence change replaces valine, which is neutral and non-polar, with glycine, which is neutral and non-polar, at codon 430 of the BMPER protein (p.Val430Gly).

NM_001365308.1(BMPER):c.1289T>G (p.Val430Gly)

Gene: BMPER (BMP binding endothelial regulator; plus strand). Cytogenetic location: 7p14.3.
Variant type: single nucleotide variant.
Coding change: c.1289T>G on transcript NM_001365308.1 (MANE Select); coding-DNA position 1289, T replaced by G.
Protein change: p.Val430Gly; replaces valine 430 with glycine.
Molecular consequence: missense variant.
Genome position (GRCh38, 1-based): chr7:34,079,067, T>G. VCF-style: chr7-34079067-T-G. GRCh37 (hg19) VCF-style: chr7-34118679-T-G.
Other names: c.1289T>G, p.Val430Gly (NM_133468.5); short protein forms V430G.
Identifiers: ClinVar variation 1477073 (VCV001477073.8), dbSNP rs1216089313, ClinGen allele CA367180081.